The following is an entry in ClinVar:

ClinVar aggregate classification (germline): Pathogenic (1 of 4 stars; one submission).

Conditions:
Factor V and factor VIII, combined deficiency of, type 1. Also called: FAMILIAL MULTIPLE COAGULATION FACTOR DEFICIENCY I; Combined factor V and VIII deficiency; MULTIPLE COAGULATION FACTOR DEFICIENCY I; FMFD I. Identifiers: Orphanet 35909, MedGen C4551981, MONDO:0009206, OMIM 227300.

Submission:

Diagnostics Services (NGS), CSIR - Centre For Cellular And Molecular Biology
Classification: Pathogenic for Factor V and factor VIII, combined deficiency of, type 1. Last evaluated: 2022-10-12. Review status: criteria provided, single submitter. Criteria: ACMG Guidelines, 2015. Collection method: clinical testing. Allele origin: unknown. Affected: no. Observed: 2 variant alleles, 1 heterozygote.
Comment: This variant was identified as a part of carrier screening. The c.349C>T variant is not present in publicly available population databases like 1000 Genomes, ExAC, EVS, gnomAD, Indian Exome Database or our in-house exome database. The variant has neither been published nor reported to ClinVar, HGMD or OMIM databases in any affected individuals. In-silico pathogenicity prediction programs like MutationTaster2, CADD, Varsome, Franklin etc. predicted this variant to be likely deleterious. The variant creates a premature translational stop signal at the 117th amino acid position, which may either result in translation of a truncated protein or cause nonsense mediated decay of the mRNA.

NM_005570.4(LMAN1):c.349C>T (p.Arg117Ter)

Gene: LMAN1 (lectin, mannose binding 1; minus strand). Cytogenetic location: 18q21.32.
Variant type: single nucleotide variant.
Coding change: c.349C>T on transcript NM_005570.4 (MANE Select); coding-DNA position 349, C replaced by T.
Protein change: p.Arg117Ter; replaces arginine 117 with a stop codon.
Molecular consequence: nonsense.
Genome position (GRCh38, 1-based): chr18:59,355,524, G>A on the plus strand (C>T on the coding strand, the complement: LMAN1 is on the minus strand). VCF-style: chr18-59355524-G-A. GRCh37 (hg19) VCF-style: chr18-57022756-G-A.
Other names: short protein forms R117*.
Identifiers: ClinVar variation 1802256 (VCV001802256.3), dbSNP rs1006524651, ClinGen allele CA300998336.